The following is an entry in ClinVar:

NM_001927.4(DES):c.1286G>A (p.Arg429Gln)

Gene: DES (desmin; plus strand). Cytogenetic location: 2q35.
Variant type: single nucleotide variant.
Coding change: c.1286G>A on transcript NM_001927.4 (MANE Select); coding-DNA position 1286, G replaced by A.
Protein change: p.Arg429Gln; replaces arginine 429 with glutamine.
Molecular consequence: missense variant.
Genome position (GRCh38, 1-based): chr2:219,423,818, G>A. VCF-style: chr2-219423818-G-A. GRCh37 (hg19) VCF-style: chr2-220288540-G-A.
Other names: c.1286G>A (LRG_380t1); short protein forms R429Q.
Identifiers: ClinVar variation 289962 (VCV000289962.26), dbSNP rs200580581, ClinGen allele CA2125285.

ClinVar aggregate classification (germline): Uncertain significance. Review status: criteria provided, multiple submitters, no conflicts (2 of 4 stars). 8 submissions from 8 submitters: Uncertain significance (8). Last evaluated 2025-12-01.

Conditions:
Dilated cardiomyopathy 1I (CMD1I). Identifiers: Orphanet 154, MedGen C1858154, MONDO:0011482, OMIM 604765.
Neurogenic scapuloperoneal syndrome, Kaeser type (SCPNK). Also called: KAESER SYNDROME. Identifiers: Orphanet 85146, MedGen C1867005, MONDO:0008407, OMIM 181400.
Desmin-related myofibrillar myopathy (MFM1). Also called: Myofibrillar myopathy 1; MYOFIBRILLAR MYOPATHY WITH ARRHYTHMOGENIC RIGHT VENTRICULAR CARDIOMYOPATHY; DESMIN-RELATED MYOPATHY WITH ARRHYTHMOGENIC RIGHT VENTRICULAR CARDIOMYOPATHY; Desminopathy; Desmin related myopathy (former name); Desmin storage myopathy (former name). Identifiers: Orphanet 363543, Orphanet 98909, MedGen C1832370, MONDO:0011076, OMIM 601419.
Cardiovascular phenotype. Identifiers: MedGen CN230736.

Allele frequency attached by ClinVar (database versions not stated): TOPMed 0.00004; ESP Exome Variant Server 0.00008.
gnomAD v4.1: 74 of 1,613,766 alleles (0.0046%); highest among the groups gnomAD compares: South Asian, 0.012%; no homozygotes.

Submissions (8):

Labcorp Genetics (formerly Invitae), Labcorp
Classification: Uncertain significance for Desmin-related myofibrillar myopathy. Last evaluated: 2025-12-01. Review status: criteria provided, single submitter. Criteria: Invitae Variant Classification Sherloc (09022015). Collection method: clinical testing. Allele origin: germline.
Comment: This sequence change replaces arginine, which is basic and polar, with glutamine, which is neutral and polar, at codon 429 of the DES protein (p.Arg429Gln). This variant is present in population databases (rs200580581, gnomAD 0.01%). This missense change has been observed in individual(s) with clinical features of autosomal dominant DES-related conditions (PMID: 23396983, 32397162). ClinVar contains an entry for this variant (Variation ID: 289962). Invitae Evidence Modeling of protein sequence and biophysical properties (such as structural, functional, and spatial information, amino acid conservation, physicochemical variation, residue mobility, and thermodynamic stability) has been performed for this missense variant. However, the output from this modeling did not meet the statistical confidence thresholds required to predict the impact of this variant on DES protein function. In summary, the available evidence is currently insufficient to determine the role of this variant in disease. Therefore, it has been classified as a Variant of Uncertain Significance.

Molecular Diagnostic Laboratory for Inherited Cardiovascular Disease, Montreal Heart Institute
Classification: Uncertain significance for Cardiovascular phenotype. Last evaluated: 2025-04-09. Review status: criteria provided, single submitter. Criteria: ACMG Guidelines, 2015. Collection method: clinical testing. Allele origin: germline. Affected: yes.

Women's Health and Genetics/Laboratory Corporation of America, LabCorp
Classification: Uncertain significance. Last evaluated: 2023-03-01. Review status: criteria provided, single submitter. Criteria: LabCorp Variant Classification Summary - May 2015. Collection method: clinical testing. Allele origin: germline.
Comment: Variant summary: DES c.1286G>A (p.Arg429Gln) results in a conservative amino acid change in the encoded protein sequence, altering a highly conserved residue (HGMD). Three of five in-silico tools predict a benign effect of the variant on protein function. The variant allele was found at a frequency of 5.2e-05 in 251480 control chromosomes. The observed variant frequency is slightly greater than estimated maximal expected allele frequency for a pathogenic variant in DES causing Dilated Cardiomyopathy phenotype (3.1e-05), suggesting that the variant is benign polymorphism. c.1286G>A has been reported in the literature in individuals affected with Cardiomyopathy without evidence of cosegregation (Lopes_2013, Thomson_2019, Limongelli_2020, Sepp_2022). These reports do not provide unequivocal conclusions about association of the variant with Dilated Cardiomyopathy. Co-occurrences with other pathogenic variants have been reported among these individuals (MYH7 c.2389G>A, p.Ala797Thr; PKP2 c.368G>A, p.Trp123Ter), providing supporting evidence for a benign role. To our knowledge, no experimental evidence demonstrating an impact on protein function has been reported. Five submitters have provided clinical-significance assessments for this variant to ClinVar after 2014, and all classified the variant as uncertain significance. Based on the evidence outlined above, the variant was classified as uncertain significance.

Ambry Genetics
Classification: Uncertain significance for Cardiovascular phenotype. Last evaluated: 2022-10-18. Review status: criteria provided, single submitter. Criteria: Ambry Variant Classification Scheme 2023. Collection method: clinical testing. Allele origin: germline.
Comment: The p.R429Q variant (also known as c.1286G>A), located in coding exon 7 of the DES gene, results from a G to A substitution at nucleotide position 1286. The arginine at codon 429 is replaced by glutamine, an amino acid with highly similar properties. This variant has been reported in hypertrophic cardiomyopathy cohorts and co-occurred with variants in other cardiac-related genes; however, clinical details were limited in some cases (Lopes LR et al. J Med Genet, 2013 Apr;50:228-39; Thomson KL et al. Genet Med, 2019 07;21:1576-1584; Limongelli G et al. Genes (Basel), 2020 05;11:[ePub ahead of print]). This amino acid position is highly conserved in available vertebrate species. In addition, this alteration is predicted to be deleterious by in silico analysis. Since supporting evidence is limited at this time, the clinical significance of this alteration remains unclear.

GeneDx
Classification: Uncertain significance. Last evaluated: 2022-05-24. Review status: criteria provided, single submitter. Criteria: GeneDx Variant Classification Process June 2021. Collection method: clinical testing. Allele origin: germline. Affected: yes.
Comment: Reported previously as a likely pathogenic, maternally inherited heterozygous variant in a patient with suspected ARVC; however, the patient also had compound heterozygous variants in another gene and it was thought that all three variants caused a more severe phenotype. The mother was reported to be unaffected (Limongelli et al., 2020); In silico analysis supports that this missense variant does not alter protein structure/function; This variant is associated with the following publications: (PMID: 25351510, 23396983, 26807690, 32397162)

Fulgent Genetics
Classification: Uncertain significance for Neurogenic scapuloperoneal syndrome, Kaeser type; Desmin-related myofibrillar myopathy; Dilated cardiomyopathy 1I. Last evaluated: 2021-07-28. Review status: criteria provided, single submitter. Criteria: ACMG Guidelines, 2015. Collection method: clinical testing. Allele origin: unknown.

Revvity Omics, Revvity
Classification: Uncertain significance. Last evaluated: 2019-02-25. Review status: criteria provided, single submitter. Criteria: ACMG Guidelines, 2015. Collection method: clinical testing. Allele origin: germline.

Eurofins Ntd Llc (ga)
Classification: Uncertain significance. Last evaluated: 2017-09-26. Review status: criteria provided, single submitter. Criteria: EGL Classification Definitions 2015. Collection method: clinical testing. Allele origin: germline. Observed: 2 variant alleles, 2 heterozygotes.

Literature cited by the submitters: PubMed 23396983 (cited by 3 submitters); PubMed 32397162 (cited by 3 submitters); PubMed 30531895 (cited by Women's Health and Genetics/Laboratory Corporation of America, LabCorp and Ambry Genetics); PubMed 35626289 (cited by Women's Health and Genetics/Laboratory Corporation of America, LabCorp).